The following is an entry in ClinVar:

ClinVar aggregate classification (germline): Likely benign. Review status: criteria provided, multiple submitters, no conflicts (2 of 4 stars). 2 submissions from 2 submitters: Likely benign (2). Last evaluated 2018-01-12.

Conditions:
Atransferrinemia. Also called: Familial hypotransferrinemia. Identifiers: Orphanet 1195, MedGen C0521802, MONDO:0008846, OMIM 209300, HP:0012239.

Allele frequency attached by ClinVar (database versions not stated): TOPMed 0.00632; 1000 Genomes Project 0.00399; 1000 Genomes Project 30x 0.00484; gnomAD 0.00575 and 0.00626.
gnomAD v4.1: 1,730 of 1,541,924 alleles (0.11%); highest among the groups gnomAD compares: African/African-American, 2.1%; 18 homozygotes.

Submissions (2):

Illumina Laboratory Services, Illumina
Classification: Likely benign for Atransferrinemia. Last evaluated: 2018-01-12. Review status: criteria provided, single submitter. Criteria: ICSL Variant Classification Criteria 13 December 2019. Collection method: clinical testing. Allele origin: germline.
Comment: This variant was observed in the ICSL laboratory as part of a predisposition screen in an ostensibly healthy population. It had not been previously curated by ICSL or reported in the Human Gene Mutation Database (HGMD: prior to June 1st, 2018), and was therefore a candidate for classification through an automated scoring system. Utilizing variant allele frequency, disease prevalence and penetrance estimates, and inheritance mode, an automated score was calculated to assess if this variant is too frequent to cause the disease. Based on the score and internal cut-off values, a variant classified as likely benign is not then subjected to further curation. The score for this variant resulted in a classification of likely benign for this disease.

Breakthrough Genomics
Classification: Likely benign. Review status: criteria provided, single submitter. Criteria: ACMG Guidelines, 2015. Collection method: not provided. Allele origin: germline. Inheritance: Autosomal recessive inheritance. Affected: yes.

NM_001063.3(TF):c.-65G>C

Gene: TF (transferrin; plus strand). Cytogenetic location: 3q22.1.
Variant type: single nucleotide variant.
Coding change: c.-65G>C on transcript NM_001063.3; 65 bases upstream of the start codon, G replaced by C.
Molecular consequence: intron variant (on NM_001354703.2).
Genome position (GRCh38, 1-based): chr3:133,746,376, G>C. VCF-style: chr3-133746376-G-C. GRCh37 (hg19) VCF-style: chr3-133465220-G-C.
Other names: c.-89-2036G>C (NM_001354703.2).
Identifiers: ClinVar variation 343421 (VCV000343421.8), dbSNP rs41298275, ClinGen allele CA10617290.